The following is an entry in ClinVar:

NM_004100.5(EYA4):c.1739-76T>C

Genes: EYA4 (EYA transcriptional coactivator and phosphatase 4; plus strand), TARID (TCF21 antisense RNA inducing promoter demethylation; minus strand). Cytogenetic location: 6q23.2.
Variant type: single nucleotide variant.
Coding change: c.1739-76T>C on transcript NM_004100.5 (MANE Select); 76 bases into the intron before coding-DNA position 1739, T replaced by C.
Molecular consequence: intron variant. On other transcripts: missense variant (3).
Genome position (GRCh38, 1-based): chr6:133,525,078, T>C. VCF-style: chr6-133525078-T-C. GRCh37 (hg19) VCF-style: chr6-133846216-T-C.
Other names: c.1640T>C, p.Ile547Thr (NM_001301012.2); c.1733T>C, p.Ile578Thr (NM_001370458.1); c.1802T>C, p.Ile601Thr (NM_172105.4); c.1757-76T>C (NM_001301013.2); c.1670-76T>C (NM_172103.4); c.1595-76T>C (NM_001370459.1); short protein forms I547T, I578T, I601T.
Identifiers: ClinVar variation 1318817 (VCV001318817.2), dbSNP rs1367388132, ClinGen allele CA365700038.

ClinVar aggregate classification (germline): Uncertain significance (1 of 4 stars; one submission).

Allele frequency attached by ClinVar (database versions not stated): gnomAD exomes below 0.00001; gnomAD 0.00001; TOPMed 0.00002.
gnomAD v4.1: 4 of 1,613,596 alleles (0.00025%); highest among the groups gnomAD compares: Admixed American, 0.0033%; no homozygotes.

Submission:

GeneDx
Classification: Uncertain significance. Last evaluated: 2019-07-19. Review status: criteria provided, single submitter. Criteria: GeneDx Variant Classification Process June 2021. Collection method: clinical testing. Allele origin: germline. Affected: yes.
Comment: In silico analysis, which includes splice predictors and evolutionary conservation, supports a deleterious effect; Has not been previously published as pathogenic or benign to our knowledge